The following is an entry in ClinVar:

ClinVar aggregate classification (germline): Pathogenic (1 of 4 stars; one submission).

Conditions:
PGM1-congenital disorder of glycosylation. Also called: Congenital disorder of glycosylation type 1t; PGM1 DEFICIENCY; GLYCOGEN STORAGE DISEASE XIV; PHOSPHOGLUCOMUTASE 1 DEFICIENCY; CDG It; GSD XIV. Identifiers: Orphanet 319646, MedGen C2752015, MONDO:0013968, OMIM 614921.

Submission:

Equipe Genetique des Anomalies du Developpement, Université de Bourgogne
Classification: Pathogenic for PGM1-congenital disorder of glycosylation. Last evaluated: 2021-08-16. Review status: criteria provided, single submitter. Criteria: ACMG Guidelines, 2015. Collection method: clinical testing. Allele origin: paternal. Inheritance: Autosomal recessive inheritance. Affected: yes.
Comment: This variant was observed in compound heterozygosity with variant c.157_158delinsG

Literature cited by the submitters: PubMed 28617415.

NM_002633.3(PGM1):c.423del (p.Ala142fs)

Gene: PGM1 (phosphoglucomutase 1; plus strand). Cytogenetic location: 1p31.3.
Variant type: Deletion.
Coding change: c.423del on transcript NM_002633.3 (MANE Select); coding-DNA position 423, one base deleted (A; older notation c.423delA).
Protein change: p.Ala142fs; shifts the reading frame from alanine 142.
Molecular consequence: frameshift variant. On other transcripts: 5 prime UTR variant (1).
Genome position (GRCh38, 1-based): chr1:63,629,955, A deleted; the last of 2 consecutive A bases (chr1:63,629,954-63,629,955); deleting either gives the same sequence. VCF-style (leftmost placement, unchanged base first): chr1-63629953-GA-G. GRCh37 (hg19) VCF-style: chr1-64095624-GA-G.
Other names: c.477del, p.Ala160fs (NM_001172818.1); c.-169del (NM_001172819.2); short protein forms A142fs, A160fs.
Identifiers: ClinVar variation 1302006 (VCV001302006.2), dbSNP rs2100982320, ClinGen allele CA2573051610.